The following is an entry in ClinVar:

NM_001035.3(RYR2):c.14553C>A (p.Phe4851Leu)

Gene: RYR2 (ryanodine receptor 2; plus strand). Cytogenetic location: 1q43.
Variant type: single nucleotide variant.
Coding change: c.14553C>A on transcript NM_001035.3 (MANE Select); coding-DNA position 14553, C replaced by A.
Protein change: p.Phe4851Leu; replaces phenylalanine 4851 with leucine.
Molecular consequence: missense variant.
Genome position (GRCh38, 1-based): chr1:237,819,155, C>A. VCF-style: chr1-237819155-C-A. GRCh37 (hg19) VCF-style: chr1-237982455-C-A.
Other names: c.14553C>A, p.Phe4851Leu (LRG_402t1); short protein forms F4851L.
Identifiers: ClinVar variation 532384 (VCV000532384.17), dbSNP rs1291829047, ClinGen allele CA345426597.
Genomic context (GRCh38, chr1:237,819,155, plus strand): 5'-CGAAGACCCAGCAGGAGATGAATATGAGATCTATCGAATCATCTTTGACATCACTTTCTT[C>A]TTCTTTGTTATTGTCATTCTCTTGGCCATAATACAAGGTAAGTATCCTCCTCACTGAAGC-3'
Protein context (NP_001026.2, residues 4841-4861): IYRIIFDITF[Phe4851Leu]FFVIVILLAI

ClinVar aggregate classification (germline): Conflicting classifications of pathogenicity. Review status: criteria provided, conflicting classifications (1 of 4 stars). 3 submissions from 3 submitters: Pathogenic (2); Uncertain significance (1). Last evaluated 2025-03-16.

Conditions:
Catecholaminergic polymorphic ventricular tachycardia 1. Also called: VENTRICULAR TACHYCARDIA, CATECHOLAMINERGIC POLYMORPHIC, 1, WITH OR WITHOUT ATRIAL DYSFUNCTION AND/OR DILATED CARDIOMYOPATHY; RYR2-Related Catecholaminergic Polymorphic Ventricular Tachycardia; VENTRICULAR TACHYCARDIA, STRESS-INDUCED POLYMORPHIC 1. Identifiers: Orphanet 3286, MedGen C1631597, MONDO:0011484, OMIM 604772.

Submissions (3):

Labcorp Genetics (formerly Invitae), Labcorp
Classification: Pathogenic for Catecholaminergic polymorphic ventricular tachycardia 1. Last evaluated: 2025-03-16. Review status: criteria provided, single submitter. Criteria: Invitae Variant Classification Sherloc (09022015). Collection method: clinical testing. Allele origin: germline.
Comment: This sequence change replaces phenylalanine, which is neutral and non-polar, with leucine, which is neutral and non-polar, at codon 4851 of the RYR2 protein (p.Phe4851Leu). This variant is not present in population databases (gnomAD no frequency). This missense change has been observed in individual(s) with catecholaminergic polymorphic ventricular tachycardia (CPVT) (PMID: 19398665, 23098067, 28237968, 29453246). In at least one individual the variant was observed to be de novo. ClinVar contains an entry for this variant (Variation ID: 532384). Invitae Evidence Modeling of protein sequence and biophysical properties (such as structural, functional, and spatial information, amino acid conservation, physicochemical variation, residue mobility, and thermodynamic stability) indicates that this missense variant is expected to disrupt RYR2 protein function with a positive predictive value of 95%. For these reasons, this variant has been classified as Pathogenic.

GeneDx
Classification: Uncertain significance. Last evaluated: 2024-11-22. Review status: criteria provided, single submitter. Criteria: GeneDx Variant Classification Process June 2021. Collection method: clinical testing. Allele origin: germline. Affected: yes.
Comment: Not observed at significant frequency in large population cohorts (gnomAD); In silico analysis supports that this missense variant has a deleterious effect on protein structure/function; This variant is associated with the following publications: (PMID: 24025405, 19398665, 23098067, 19926015, 31737537, 32152366)

MVZ Martinsried, Medicover Genetics
Classification: Pathogenic for Catecholaminergic polymorphic ventricular tachycardia 1. Last evaluated: 2021-04-16. Review status: criteria provided, single submitter. Criteria: ACGS Guidelines, 2020. Collection method: clinical testing. Allele origin: unknown. Affected: yes.

Literature cited by the submitters: PubMed 19398665 (cited by Labcorp Genetics (formerly Invitae), Labcorp); PubMed 23098067 (cited by Labcorp Genetics (formerly Invitae), Labcorp); PubMed 28237968 (cited by Labcorp Genetics (formerly Invitae), Labcorp); PubMed 29453246 (cited by Labcorp Genetics (formerly Invitae), Labcorp).